The following is an entry in ClinVar:

ClinVar aggregate classification (germline): Uncertain significance (1 of 4 stars; one submission).

gnomAD v4.1: 5 of 1,613,822 alleles (0.00031%); highest among the groups gnomAD compares: South Asian, 0.0011%; no homozygotes.

Submission:

Labcorp Genetics (formerly Invitae), Labcorp
Classification: Uncertain significance. Last evaluated: 2025-11-04. Review status: criteria provided, single submitter. Criteria: Invitae Variant Classification Sherloc (09022015). Collection method: clinical testing. Allele origin: germline.
Comment: This sequence change creates a premature translational stop signal (p.Arg697*) in the ZCCHC8 gene. While this is not anticipated to result in nonsense mediated decay, it is expected to disrupt the last 11 amino acid(s) of the ZCCHC8 protein. This variant is present in population databases (no rsID available, gnomAD 0.0009%). This variant has not been reported in the literature in individuals affected with ZCCHC8-related conditions. In summary, the available evidence is currently insufficient to determine the role of this variant in disease. Therefore, it has been classified as a Variant of Uncertain Significance.

NM_017612.5(ZCCHC8):c.2089C>T (p.Arg697Ter)

Gene: ZCCHC8 (zinc finger CCHC-type containing 8; minus strand). Cytogenetic location: 12q24.31.
Variant type: single nucleotide variant.
Coding change: c.2089C>T on transcript NM_017612.5 (MANE Select); coding-DNA position 2089, C replaced by T.
Protein change: p.Arg697Ter; replaces arginine 697 with a stop codon.
Molecular consequence: nonsense.
Genome position (GRCh38, 1-based): chr12:122,473,532, G>A on the plus strand (C>T on the coding strand, the complement: ZCCHC8 is on the minus strand). VCF-style: chr12-122473532-G-A. GRCh37 (hg19) VCF-style: chr12-122958079-G-A.
Other names: c.1858C>T, p.Arg620Ter (NM_001350935.2); c.1792C>T, p.Arg598Ter (NM_001350936.2); c.1375C>T, p.Arg459Ter (NM_001350937.2, NM_001350938.2); short protein forms R459*, R598*, R620*, R697*.
Identifiers: ClinVar variation 4765634 (VCV004765634.1).